The following is an entry in ClinVar:

ClinVar aggregate classification (germline): Uncertain significance (1 of 4 stars; one submission).

Conditions:
Norman-Roberts syndrome (LIS2). Also called: Lissencephaly 2 (Norman-Roberts type). Identifiers: Orphanet 89844, MedGen C0796089, MONDO:0009760, OMIM 257320.
Familial temporal lobe epilepsy 7. Identifiers: Orphanet 101046, MedGen C4225327, MONDO:0014639, OMIM 616436.

Allele frequency attached by ClinVar (database versions not stated): gnomAD exomes below 0.00001.
gnomAD v4.1: 2 of 1,613,996 alleles (0.00012%); highest among the groups gnomAD compares: African/African-American, 0.0013%; no homozygotes.

Submission:

Labcorp Genetics (formerly Invitae), Labcorp
Classification: Uncertain significance for Familial temporal lobe epilepsy 7; Norman-Roberts syndrome. Last evaluated: 2022-10-13. Review status: criteria provided, single submitter. Criteria: Invitae Variant Classification Sherloc (09022015). Collection method: clinical testing. Allele origin: germline.
Comment: Advanced modeling of protein sequence and biophysical properties (such as structural, functional, and spatial information, amino acid conservation, physicochemical variation, residue mobility, and thermodynamic stability) performed at Invitae indicates that this missense variant is not expected to disrupt RELN protein function. In summary, the available evidence is currently insufficient to determine the role of this variant in disease. Therefore, it has been classified as a Variant of Uncertain Significance. This variant has not been reported in the literature in individuals affected with RELN-related conditions. This sequence change replaces valine, which is neutral and non-polar, with isoleucine, which is neutral and non-polar, at codon 69 of the RELN protein (p.Val69Ile). This variant is not present in population databases (gnomAD no frequency).

NM_005045.4(RELN):c.205G>A (p.Val69Ile)

Gene: RELN (reelin; minus strand). Cytogenetic location: 7q22.1.
Variant type: single nucleotide variant.
Coding change: c.205G>A on transcript NM_005045.4 (MANE Select); coding-DNA position 205, G replaced by A.
Protein change: p.Val69Ile; replaces valine 69 with isoleucine.
Molecular consequence: missense variant.
Genome position (GRCh38, 1-based): chr7:103,989,152, C>T on the plus strand (G>A on the coding strand, the complement: RELN is on the minus strand). VCF-style: chr7-103989152-C-T. GRCh37 (hg19) VCF-style: chr7-103629599-C-T.
Other names: c.205G>A, p.Val69Ile (NM_173054.3); short protein forms V69I.
Identifiers: ClinVar variation 1719548 (VCV001719548.5), dbSNP rs2484917656, ClinGen allele CA368931253.